The following is an entry in ClinVar:

ClinVar aggregate classification (germline): Pathogenic (1 of 4 stars; one submission).

Submission:

GeneDx
Classification: Pathogenic. Last evaluated: 2013-08-02. Review status: criteria provided, single submitter. Criteria: GeneDx Variant Classification (06012015). Collection method: clinical testing. Allele origin: germline. Affected: yes.
Comment: The c.248delG mutation in the CDKL5 gene causes a frameshift starting with codon Glycine 83, changes this amino acid to a Glutamic acid residue and creates a premature Stop codon at position 30 of the new reading frame, denoted p.Gly83GlufsX30. This mutation is predicted to cause loss of normal protein function either through protein truncation or nonsense-mediated mRNA decay. The variant is found in EPILEPSY panel(s).

NM_001323289.2(CDKL5):c.248del (p.Gly83fs)

Gene: CDKL5 (cyclin dependent kinase like 5; plus strand). Cytogenetic location: Xp22.13.
Variant type: Deletion.
Coding change: c.248del on transcript NM_001323289.2 (MANE Select); coding-DNA position 248, one base deleted (G; older notation c.248delG).
Protein change: p.Gly83fs; shifts the reading frame from glycine 83.
Molecular consequence: frameshift variant.
Genome position (GRCh38, 1-based): chrX:18,575,456, G deleted; the last of 4 consecutive G bases (chrX:18,575,453-18,575,456); deleting any one gives the same sequence. VCF-style (leftmost placement, unchanged base first): chrX-18575452-AG-A. GRCh37 (hg19) VCF-style: chrX-18593572-AG-A.
Other names: c.248del, p.Gly83fs (NM_001037343.2, NM_003159.3); c.248delG (NM_003159.2); short protein forms G83fs.
Identifiers: ClinVar variation 156637 (VCV000156637.1), dbSNP rs587783109, ClinGen allele CA294676.